The following is an entry in ClinVar:

ClinVar aggregate classification (germline): Uncertain significance (1 of 4 stars; one submission).

Conditions:
LOXHD1-related disorder. Also called: LOXHD1-related condition.

gnomAD v4.1: 1 of 1,550,970 alleles (0.000064%); highest among the groups gnomAD compares: East Asian, 0.0024%; no homozygotes.

Submission:

PreventionGenetics, part of Exact Sciences
Classification: Uncertain significance for LOXHD1-related condition. Last evaluated: 2025-07-23. Review status: criteria provided, single submitter. Criteria: ACMG Guidelines, 2015. Collection method: clinical testing. Allele origin: germline.
Comment: The LOXHD1 c.5953G>C variant is predicted to result in the amino acid substitution p.Glu1985Gln. This variant was reported in an individual with late onset Fuchs corneal dystrophy, however information about additional variant was not provided (Table S2, Riazuddin et al. 2012. PubMed ID: 22341973). This variant has not been reported in a large population database (gnomAD), indicating this variant is rare. At this time, the clinical significance of this variant is uncertain due to the absence of conclusive functional and genetic evidence.

NM_001384474.1(LOXHD1):c.6139G>C (p.Glu2047Gln)

Gene: LOXHD1 (lipoxygenase homology PLAT domains 1; minus strand). Cytogenetic location: 18q21.1.
Variant type: single nucleotide variant.
Coding change: c.6139G>C on transcript NM_001384474.1 (MANE Select); coding-DNA position 6139, G replaced by C.
Protein change: p.Glu2047Gln; replaces glutamic acid 2047 with glutamine.
Molecular consequence: missense variant.
Genome position (GRCh38, 1-based): chr18:46,485,062, C>G on the plus strand (G>C on the coding strand, the complement: LOXHD1 is on the minus strand). VCF-style: chr18-46485062-C-G. GRCh37 (hg19) VCF-style: chr18-44065025-C-G.
Other names: c.2806G>C, p.Glu936Gln (NM_001145472.3); c.856G>C, p.Glu286Gln (NM_001145473.3, NM_001173129.2); c.2518G>C, p.Glu840Gln (NM_001308013.2); c.5953G>C, p.Glu1985Gln (NM_144612.7); short protein forms E1985Q, E2047Q, E840Q, E286Q, E936Q.
Identifiers: ClinVar variation 4983603 (VCV004983603.1).